The following is an entry in ClinVar:

NM_033225.6(CSMD1):c.2610G>A (p.Ser870=)

Gene: CSMD1 (CUB and Sushi multiple domains 1; minus strand). Cytogenetic location: 8p23.2.
Variant type: single nucleotide variant.
Coding change: c.2610G>A on transcript NM_033225.6 (MANE Select); coding-DNA position 2610, G replaced by A.
Protein change: p.Ser870=; no amino-acid change (serine 870 retained).
Molecular consequence: synonymous variant.
Genome position (GRCh38, 1-based): chr8:3,387,666, C>T on the plus strand (G>A on the coding strand, the complement: CSMD1 is on the minus strand). VCF-style: chr8-3387666-C-T. GRCh37 (hg19) VCF-style: chr8-3245188-C-T.
Identifiers: ClinVar variation 3035620 (VCV003035620.2), dbSNP rs547373475, ClinGen allele CA4608244.
Genomic context (GRCh38, chr8:3,387,666, plus strand): 5'-GCCAAAGTCTCCACCGTGGCGATGGCCGTTCACAGGGATGCCCGGGTCCAGGCAGGAATC[C>T]GACTCAAGCGTCACACCTGGATGCACAGAACGAATGCAGTCGATGAGGATCTTTCTGGTT-3'
Protein context (NP_150094.5, residues 860-880): LIHYESVTLE[Ser870=]DSCLDPGIPV

ClinVar aggregate classification (germline): Likely benign (0 of 4 stars; one submission).

Conditions:
CSMD1-related disorder. Also called: CSMD1-related condition.

Allele frequency attached by ClinVar (database versions not stated): gnomAD 0.00001; TOPMed 0.00001; ExAC 0.00002; 1000 Genomes Project 0.00020; 1000 Genomes Project 30x 0.00031.
gnomAD v4.1: 23 of 1,596,218 alleles (0.0014%); highest among the groups gnomAD compares: Admixed American, 0.0035%; no homozygotes.

Submission:

PreventionGenetics, part of Exact Sciences
Classification: Likely benign for CSMD1-related condition. Last evaluated: 2019-07-30. Review status: no assertion criteria provided. Collection method: clinical testing. Allele origin: germline.
Comment: This variant is classified as likely benign based on ACMG/AMP sequence variant interpretation guidelines (Richards et al. 2015 PMID: 25741868, with internal and published modifications).